The following is an entry in ClinVar:

NM_015213.4(DENND5A):c.1453A>G (p.Lys485Glu)

Gene: DENND5A (DENN domain containing 5A; minus strand). Cytogenetic location: 11p15.4.
Variant type: single nucleotide variant.
Coding change: c.1453A>G on transcript NM_015213.4 (MANE Select); coding-DNA position 1453, A replaced by G.
Protein change: p.Lys485Glu; replaces lysine 485 with glutamic acid.
Molecular consequence: missense variant. On other transcripts: non-coding transcript variant (1).
Genome position (GRCh38, 1-based): chr11:9,180,769, T>C on the plus strand (A>G on the coding strand, the complement: DENND5A is on the minus strand). VCF-style: chr11-9180769-T-C. GRCh37 (hg19) VCF-style: chr11-9202316-T-C.
Other names: c.1453A>G, p.Lys485Glu (NM_001243254.2); c.1381A>G, p.Lys461Glu (NM_001348749.2); c.1165A>G, p.Lys389Glu (NM_001348750.2); short protein forms K485E, K461E, K389E.
Identifiers: ClinVar variation 450134 (VCV000450134.51), dbSNP rs146646020, ClinGen allele CA5877605.
Genomic context (GRCh38, chr11:9,180,769, plus strand): 5'-ACCAGGACAGCACCCTAGCACAGATCACACGTGTCACAGACTCATATACACATCTTACCT[T>C]TTCCAGGCTCACCCCAGTTCTCTTGACCAAGGCTTGCAGCCGGGCAATAGTTTCATTCTC-3'
Protein context (NP_056028.2, residues 475-495): LVKRTGVSLE[Lys485Glu]LEVREDPSSN

ClinVar aggregate classification (germline): Uncertain significance. Review status: criteria provided, multiple submitters, no conflicts (2 of 4 stars). 7 submissions from 7 submitters: Uncertain significance (7). Last evaluated 2023-03-15.

Conditions:
Developmental and epileptic encephalopathy, 49 (DEE49). Also called: Epileptic encephalopathy, early infantile, 49. Identifiers: MedGen C4310635, MONDO:0015002, OMIM 617281.
Inborn genetic diseases. Identifiers: MedGen C0950123, MeSH D030342.

Allele frequency attached by ClinVar (database versions not stated): 1000 Genomes Project 30x 0.00016; 1000 Genomes Project 0.00020; gnomAD exomes 0.00074 and 0.00097; ExAC 0.00075; gnomAD 0.00080 and 0.00081; TOPMed 0.00080; ESP Exome Variant Server 0.00085.
gnomAD v4.1: 1,539 of 1,613,712 alleles (0.095%); highest among the groups gnomAD compares: Non-Finnish European, 0.12%; 1 homozygote.

Submissions (7):

Clinical Genetics Laboratory, Skane University Hospital Lund
Classification: Uncertain significance. Last evaluated: 2023-03-15. Review status: criteria provided, single submitter. Criteria: ACMG Guidelines, 2015. Collection method: clinical testing. Allele origin: germline. Affected: yes.

Labcorp Genetics (formerly Invitae), Labcorp
Classification: Uncertain significance. Last evaluated: 2022-10-25. Review status: criteria provided, single submitter. Criteria: Invitae Variant Classification Sherloc (09022015). Collection method: clinical testing. Allele origin: germline.
Comment: This sequence change replaces lysine, which is basic and polar, with glutamic acid, which is acidic and polar, at codon 485 of the DENND5A protein (p.Lys485Glu). This variant is present in population databases (rs146646020, gnomAD 0.1%), and has an allele count higher than expected for a pathogenic variant. This variant has not been reported in the literature in individuals affected with DENND5A-related conditions. ClinVar contains an entry for this variant (Variation ID: 450134). Algorithms developed to predict the effect of missense changes on protein structure and function (SIFT, PolyPhen-2, Align-GVGD) all suggest that this variant is likely to be tolerated. In summary, the available evidence is currently insufficient to determine the role of this variant in disease. Therefore, it has been classified as a Variant of Uncertain Significance.

New York Genome Center
Classification: Uncertain significance for Developmental and epileptic encephalopathy, 49. Last evaluated: 2021-12-10. Review status: criteria provided, single submitter. Criteria: NYGC Assertion Criteria 2020. Collection method: clinical testing. Allele origin: inherited, germline. Observed: 2 heterozygotes. Clinical features observed: Seizure (HP:0001250), Gray matter heterotopia (HP:0002282), Intellectual disability (HP:0001249), Short stature (HP:0004322), Absent speech (HP:0001344), Arachnoid cyst (HP:0100702), Abnormal facial shape (HP:0001999). Study: CSER-NYCKidSeq.

Baylor Genetics
Classification: Uncertain significance for Developmental and epileptic encephalopathy, 49. Last evaluated: 2021-04-09. Review status: criteria provided, single submitter. Criteria: ACMG Guidelines, 2015. Collection method: clinical testing. Allele origin: unknown.

CeGaT Center for Human Genetics Tuebingen
Classification: Uncertain significance. Last evaluated: 2020-02-01. Review status: criteria provided, single submitter. Criteria: CeGaT Center For Human Genetics Tuebingen Variant Classification Criteria Version 2. Collection method: clinical testing. Allele origin: germline. Affected: yes. Observed: 1 variant allele.

GeneDx
Classification: Uncertain significance. Last evaluated: 2017-07-07. Review status: criteria provided, single submitter. Criteria: GeneDx Variant Classification (06012015). Collection method: clinical testing. Allele origin: germline. Affected: yes.
Comment: The K485E variant in the DENND5A gene has not been reported previously as a pathogenic variant, nor as a benign variant, to our knowledge. The K485E variant is observed in 85/65672 (0.129%) alleles from individuals of non-Finnish European background, in the ExAC dataset (Lek et al., 2016). The K485E variant is a non-conservative amino acid substitution, which is likely to impact secondary protein structure as these residues differ in polarity, charge, size and/or other properties. This substitution occurs at a position that is conserved across species. In silico analysis is inconsistent in its predictions as to whether or not the variant is damaging to the protein structure/function. We interpret K485E as a variant of uncertain significance.

Ambry Genetics
Classification: Uncertain significance for Hereditary disease. Last evaluated: 2017-03-13. Review status: criteria provided, single submitter. Criteria: ambry_reporting_categories_2017. Collection method: clinical testing. Allele origin: germline. Affected: yes. Observed: 1 heterozygote. Segregation with disease observed.
Comment: Lines of evidence used in support of classification: UNCERTAIN: Alteration(s) of Uncertain Clinical Significance Detected

Literature cited by the submitters: PubMed 27431290 (cited by Ambry Genetics); PubMed 27866705 (cited by Ambry Genetics).